The following is an entry in ClinVar:

NM_152598.4(MARCHF10):c.669G>A (p.Pro223=)

Genes: MARCHF10 (membrane associated ring-CH-type finger 10; minus strand), MARCHF10-AS1 (MARCHF10 antisense RNA 1; plus strand). Cytogenetic location: 17q23.2.
Variant type: single nucleotide variant.
Coding change: c.669G>A on transcript NM_152598.4 (MANE Select); coding-DNA position 669, G replaced by A.
Protein change: p.Pro223=; no amino-acid change (proline 223 retained).
Molecular consequence: synonymous variant. On other transcripts: non-coding transcript variant (1).
Genome position (GRCh38, 1-based): chr17:62,737,199, C>T on the plus strand (G>A on the coding strand, the complement: MARCHF10 is on the minus strand). VCF-style: chr17-62737199-C-T. GRCh37 (hg19) VCF-style: chr17-60814560-C-T.
Other names: c.669G>A, p.Pro223= (NM_001100875.3); c.783G>A, p.Pro261= (NM_001288779.2); c.666G>A, p.Pro222= (NM_001288780.2).
Identifiers: ClinVar variation 3043795 (VCV003043795.2), dbSNP rs115463253, ClinGen allele CA8696927.

ClinVar aggregate classification (germline): Benign (0 of 4 stars; one submission).

Conditions:
MARCHF10-related disorder. Also called: MARCHF10-related condition.

Allele frequency attached by ClinVar (database versions not stated): gnomAD 0.01156; TOPMed 0.01246; ESP Exome Variant Server 0.01276; 1000 Genomes Project 0.01378; 1000 Genomes Project 30x 0.01452.
gnomAD v4.1: 3,475 of 1,613,982 alleles (0.22%); highest among the groups gnomAD compares: African/African-American, 4.1%; 78 homozygotes.

Submission:

PreventionGenetics, part of Exact Sciences
Classification: Benign for MARCHF10-related condition. Last evaluated: 2019-02-22. Review status: no assertion criteria provided. Collection method: clinical testing. Allele origin: germline.
Comment: This variant is classified as benign based on ACMG/AMP sequence variant interpretation guidelines (Richards et al. 2015 PMID: 25741868, with internal and published modifications).